The following is an entry in ClinVar:

NM_033028.5(BBS4):c.864+4A>G

Gene: BBS4 (Bardet-Biedl syndrome 4; plus strand). Cytogenetic location: 15q24.1.
Variant type: single nucleotide variant.
Coding change: c.864+4A>G on transcript NM_033028.5 (MANE Select); 4 bases into the intron after coding-DNA position 864, A replaced by G.
Molecular consequence: intron variant.
Genome position (GRCh38, 1-based): chr15:72,731,461, A>G. VCF-style: chr15-72731461-A-G. GRCh37 (hg19) VCF-style: chr15-73023802-A-G.
Other names: c.795+4A>G (NM_001320665.2); c.348+4A>G (NM_001252678.2).
Identifiers: ClinVar variation 4983700 (VCV004983700.1).
Genomic context (GRCh38, chr15:72,731,461, plus strand): 5'-CCTCCACTCTGGAATAACATTGGAATGTGTTTCTTTGGCAAGAAGAAATATGTGGCGGTG[A>G]GTGTCCCCTCATGTTCTTTGTTTGTATTTCTACATGTGGTTATTGGGTCTGTTTAGCTTG-3'

ClinVar aggregate classification (germline): Likely benign (1 of 4 stars; one submission).

Conditions:
BBS4-related disorder. Also called: BBS4-related condition.

Submission:

PreventionGenetics, part of Exact Sciences
Classification: Likely benign for BBS4-related condition. Last evaluated: 2026-09-14. Review status: criteria provided, single submitter. Criteria: ACMG Guidelines, 2015. Collection method: clinical testing. Allele origin: germline.
Comment: This variant is classified as likely benign based on ACMG/AMP sequence variant interpretation guidelines (Richards et al. 2015 PMID: 25741868, with internal and published modifications).